The following is an entry in ClinVar:

NM_014055.4(IFT81):c.1855C>T (p.Arg619Trp)

Gene: IFT81 (intraflagellar transport 81; plus strand). Cytogenetic location: 12q24.11.
Variant type: single nucleotide variant.
Coding change: c.1855C>T on transcript NM_014055.4 (MANE Select); coding-DNA position 1855, C replaced by T.
Protein change: p.Arg619Trp; replaces arginine 619 with tryptophan.
Molecular consequence: missense variant. On other transcripts: non-coding transcript variant (4).
Genome position (GRCh38, 1-based): chr12:110,218,050, C>T. VCF-style: chr12-110218050-C-T. GRCh37 (hg19) VCF-style: chr12-110655855-C-T.
Other names: c.1855C>T, p.Arg619Trp (NM_001143779.2); c.925C>T, p.Arg309Trp (NM_001347947.2, NM_001347948.2); short protein forms R309W, R619W.
Identifiers: ClinVar variation 1311817 (VCV001311817.4), dbSNP rs188705157, ClinGen allele CA6783523.

ClinVar aggregate classification (germline): Uncertain significance. Review status: criteria provided, multiple submitters, no conflicts (2 of 4 stars). 3 submissions from 3 submitters: Uncertain significance (2). 1 of the submissions does not count toward it. Last evaluated 2024-04-11.

Conditions:
Retinal dystrophy. Also called: Inherited retinal dystrophy. Identifiers: Orphanet 71862, MedGen C0854723, MeSH D058499, MONDO:0019118, HP:0000556.

Allele frequency attached by ClinVar (database versions not stated): TOPMed below 0.00001; gnomAD 0.00001; gnomAD exomes 0.00001 and 0.00002; ExAC 0.00002; 1000 Genomes Project 30x 0.00016; 1000 Genomes Project 0.00020.
gnomAD v4.1: 18 of 1,590,648 alleles (0.0011%); highest among the groups gnomAD compares: African/African-American, 0.0014%; no homozygotes.

Submissions (3):

Blueprint Genetics
Classification: Uncertain significance. Last evaluated: 2024-04-11. Review status: criteria provided, single submitter. Criteria: ACMG Guidelines, 2015. Collection method: clinical testing. Allele origin: germline.

GeneDx
Classification: Uncertain significance. Last evaluated: 2019-09-11. Review status: criteria provided, single submitter. Criteria: GeneDx Variant Classification Process June 2021. Collection method: clinical testing. Allele origin: germline. Affected: yes.
Comment: In silico analysis, which includes protein predictors and evolutionary conservation, supports a deleterious effect; Has not been previously published as pathogenic or benign to our knowledge

Institute of Human Genetics, Univ. Regensburg, Univ. Regensburg
Classification: Uncertain significance for Retinal dystrophy. Last evaluated: 2023-01-01. Review status: no assertion criteria provided. Criteria: ACMG Guidelines, 2015. Collection method: clinical testing. Allele origin: germline. Affected: yes. Not counted in ClinVar's aggregate classification.